The following is an entry in ClinVar:

NM_020975.6(RET):c.1249C>T (p.Arg417Cys)

Gene: RET (ret proto-oncogene; plus strand). Cytogenetic location: 10q11.21.
Variant type: single nucleotide variant.
Coding change: c.1249C>T on transcript NM_020975.6 (MANE Select); coding-DNA position 1249, C replaced by T.
Protein change: p.Arg417Cys; replaces arginine 417 with cysteine.
Molecular consequence: missense variant.
Genome position (GRCh38, 1-based): chr10:43,109,216, C>T. VCF-style: chr10-43109216-C-T. GRCh37 (hg19) VCF-style: chr10-43604664-C-T.
Other names: c.1249C>T, p.Arg417Cys (NM_000323.2, NM_001406743.1, NM_001406744.1 and 6 more transcripts); c.487C>T, p.Arg163Cys (NM_001355216.2); c.1120C>T, p.Arg374Cys (NM_001406761.1, NM_001406762.1, NM_001406764.1 and 1 more transcripts); c.961C>T, p.Arg321Cys (NM_001406766.1, NM_001406767.1, NM_001406770.1); c.811C>T, p.Arg271Cys (NM_001406771.1, NM_001406773.1); c.523C>T, p.Arg175Cys (NM_001406775.1, NM_001406776.1, NM_001406777.1 and 1 more transcripts); c.259C>T, p.Arg87Cys (NM_001406784.1); short protein forms R417C, R163C, R175C, R87C, R271C, R321C, R374C.
Identifiers: ClinVar variation 843191 (VCV000843191.12), dbSNP rs1478152005, ClinGen allele CA376548057.

ClinVar aggregate classification (germline): Conflicting classifications of pathogenicity. Review status: criteria provided, conflicting classifications (1 of 4 stars). 4 submissions from 4 submitters: Uncertain significance (3); Likely benign (1). Last evaluated 2025-12-03.

Conditions:
Multiple endocrine neoplasia, type 2 (MEN2). Identifiers: Orphanet 653, MedGen C4048306, MONDO:0019003. Disease mechanism: gain of function.
Hereditary cancer-predisposing syndrome. Also called: Hereditary Cancer Syndrome; Hereditary neoplastic syndrome; Tumor predisposition; Neoplastic Syndromes, Hereditary. Identifiers: Orphanet 140162, MedGen C0027672, MeSH D009386, MONDO:0015356.

Allele frequency attached by ClinVar (database versions not stated): gnomAD 0.00001; TOPMed 0.00001.
gnomAD v4.1: 18 of 1,613,034 alleles (0.0011%); highest among the groups gnomAD compares: Non-Finnish European, 0.0014%; no homozygotes.

Submissions (4):

Labcorp Genetics (formerly Invitae), Labcorp
Classification: Uncertain significance for Multiple endocrine neoplasia, type 2. Last evaluated: 2025-12-03. Review status: criteria provided, single submitter. Criteria: Invitae Variant Classification Sherloc (09022015). Collection method: clinical testing. Allele origin: germline.
Comment: This sequence change replaces arginine, which is basic and polar, with cysteine, which is neutral and slightly polar, at codon 417 of the RET protein (p.Arg417Cys). This variant is not present in population databases (gnomAD no frequency). This variant has not been reported in the literature in individuals affected with RET-related conditions. ClinVar contains an entry for this variant (Variation ID: 843191). An algorithm developed to predict the effect of missense changes on protein structure and function (PolyPhen-2) suggests that this variant is likely to be disruptive. In summary, the available evidence is currently insufficient to determine the role of this variant in disease. Therefore, it has been classified as a Variant of Uncertain Significance.

Color Diagnostics, LLC DBA Color Health
Classification: Uncertain significance for Multiple endocrine neoplasia, type 2. Last evaluated: 2025-06-13. Review status: criteria provided, single submitter. Criteria: ACMG Guidelines, 2015. Collection method: clinical testing. Allele origin: germline.
Comment: This missense variant replaces arginine with cysteine at codon 417 of the RET protein. Computational prediction suggests that this variant may not impact protein structure and function. To our knowledge, functional studies have not been reported for this variant. This variant has not been reported in individuals affected with RET-related disorders in the literature. This variant has not been identified in the general population by the Genome Aggregation Database (gnomAD). The available evidence is insufficient to determine the role of this variant in disease conclusively. Therefore, this variant is classified as a Variant of Uncertain Significance.

GeneDx
Classification: Uncertain significance. Last evaluated: 2024-12-16. Review status: criteria provided, single submitter. Criteria: GeneDx Variant Classification Process June 2021. Collection method: clinical testing. Allele origin: germline. Affected: yes.
Comment: Not observed at significant frequency in large population cohorts (gnomAD); In silico analysis indicates that this missense variant does not alter protein structure/function; Has not been previously published as pathogenic or benign to our knowledge; This variant is associated with the following publications: (PMID: 14633923)

Ambry Genetics
Classification: Likely benign for Hereditary cancer-predisposing syndrome. Last evaluated: 2021-02-17. Review status: criteria provided, single submitter. Criteria: Ambry Variant Classification Scheme 2023. Collection method: clinical testing. Allele origin: germline.